The following is an entry in ClinVar:

NM_001364905.1(LRBA):c.559G>A (p.Ala187Thr)

Gene: LRBA (LPS responsive beige-like anchor protein; minus strand). Cytogenetic location: 4q31.3.
Variant type: single nucleotide variant.
Coding change: c.559G>A on transcript NM_001364905.1 (MANE Select); coding-DNA position 559, G replaced by A.
Protein change: p.Ala187Thr; replaces alanine 187 with threonine.
Molecular consequence: missense variant.
Genome position (GRCh38, 1-based): chr4:150,921,284, C>T on the plus strand (G>A on the coding strand, the complement: LRBA is on the minus strand). VCF-style: chr4-150921284-C-T. GRCh37 (hg19) VCF-style: chr4-151842436-C-T.
Other names: c.559G>A, p.Ala187Thr (NM_001199282.3, NM_001367550.1, NM_006726.5); short protein forms A187T.
Identifiers: ClinVar variation 2096715 (VCV002096715.4), dbSNP rs2546677593, ClinGen allele CA358437372.
Genomic context (GRCh38, chr4:150,921,284, plus strand): 5'-AAAAGGCATCAGGACCATACTTCTGAGGCATATGCTTTAACACAGACAGCAACTTCCCAG[C>T]ATGTGGAGGCTATGAAGATAATTAACAATTCATTAACCACATTATTTACCATAAGATAAA-3'
Protein context (NP_001351834.1, residues 177-197): QGDKGRWPPH[Ala187Thr]GKLLSVLKHM

ClinVar aggregate classification (germline): Uncertain significance (1 of 4 stars; one submission).

Conditions:
Combined immunodeficiency due to LRBA deficiency. Also called: Common variable immunodeficiency 8, with autoimmunity. Identifiers: Orphanet 445018, MedGen C3553512, MONDO:0013863, OMIM 614700.

Submission:

Labcorp Genetics (formerly Invitae), Labcorp
Classification: Uncertain significance for Combined immunodeficiency due to LRBA deficiency. Last evaluated: 2023-08-04. Review status: criteria provided, single submitter. Criteria: Invitae Variant Classification Sherloc (09022015). Collection method: clinical testing. Allele origin: germline.
Comment: This sequence change replaces alanine, which is neutral and non-polar, with threonine, which is neutral and polar, at codon 187 of the LRBA protein (p.Ala187Thr). This variant is not present in population databases (gnomAD no frequency). This variant has not been reported in the literature in individuals affected with LRBA-related conditions. ClinVar contains an entry for this variant (Variation ID: 2096715). Advanced modeling of protein sequence and biophysical properties (such as structural, functional, and spatial information, amino acid conservation, physicochemical variation, residue mobility, and thermodynamic stability) performed at Invitae indicates that this missense variant is expected to disrupt LRBA protein function. In summary, the available evidence is currently insufficient to determine the role of this variant in disease. Therefore, it has been classified as a Variant of Uncertain Significance.